The following is an entry in ClinVar:

NM_022051.3(EGLN1):c.245C>T (p.Ala82Val)

Gene: EGLN1 (egl-9 family hypoxia inducible factor 1; minus strand). Cytogenetic location: 1q42.2.
Variant type: single nucleotide variant.
Coding change: c.245C>T on transcript NM_022051.3 (MANE Select); coding-DNA position 245, C replaced by T.
Protein change: p.Ala82Val; replaces alanine 82 with valine.
Molecular consequence: missense variant.
Genome position (GRCh38, 1-based): chr1:231,421,644, G>A on the plus strand (C>T on the coding strand, the complement: EGLN1 is on the minus strand). VCF-style: chr1-231421644-G-A. GRCh37 (hg19) VCF-style: chr1-231557390-G-A.
Other names: c.245C>T, p.Ala82Val (NM_001377260.1, NM_001377261.1); short protein forms A82V.
Identifiers: ClinVar variation 534224 (VCV000534224.9), dbSNP rs771498926, ClinGen allele CA1453191.

ClinVar aggregate classification (germline): Conflicting classifications of pathogenicity. Review status: criteria provided, conflicting classifications (1 of 4 stars). 2 submissions from 2 submitters: Uncertain significance (1); Likely benign (1). Last evaluated 2025-07-17.

Conditions:
Erythrocytosis, familial, 3 (ECYT3). Identifiers: Orphanet 247511, MedGen C1853286, MONDO:0012353, OMIM 609820.

Allele frequency attached by ClinVar (database versions not stated): ExAC below 0.00001; gnomAD exomes below 0.00001; gnomAD 0.00001; TOPMed 0.00001.
gnomAD v4.1: 3 of 1,454,484 alleles (0.00021%); highest among the groups gnomAD compares: East Asian, 0.003%; no homozygotes.

Submissions (2):

Labcorp Genetics (formerly Invitae), Labcorp
Classification: Uncertain significance for Erythrocytosis, familial, 3. Last evaluated: 2025-07-17. Review status: criteria provided, single submitter. Criteria: Invitae Variant Classification Sherloc (09022015). Collection method: clinical testing. Allele origin: germline.
Comment: This sequence change replaces alanine, which is neutral and non-polar, with valine, which is neutral and non-polar, at codon 82 of the EGLN1 protein (p.Ala82Val). This variant is present in population databases (rs771498926, gnomAD no frequency). This missense change has been observed in individual(s) with paraganglioma (PMID: 34309460). ClinVar contains an entry for this variant (Variation ID: 534224). An algorithm developed to predict the effect of missense changes on protein structure and function outputs the following: PolyPhen-2: "Possibly Damaging". The valine amino acid residue is found in multiple mammalian species, which suggests that this missense change does not adversely affect protein function. In summary, the available evidence is currently insufficient to determine the role of this variant in disease. Therefore, it has been classified as a Variant of Uncertain Significance.

Ambry Genetics
Classification: Likely benign. Last evaluated: 2024-12-27. Review status: criteria provided, single submitter. Criteria: Ambry Variant Classification Scheme 2023. Collection method: clinical testing. Allele origin: germline.

Literature cited by the submitters: PubMed 34309460 (cited by Labcorp Genetics (formerly Invitae), Labcorp).